The following is an entry in ClinVar:

NM_148960.3(CLDN19):c.473+8C>T

Gene: CLDN19 (claudin 19; minus strand). Cytogenetic location: 1p34.2.
Variant type: single nucleotide variant.
Coding change: c.473+8C>T on transcript NM_148960.3 (MANE Select); 8 bases into the intron after coding-DNA position 473, C replaced by T.
Molecular consequence: intron variant.
Genome position (GRCh38, 1-based): chr1:42,738,221, G>A on the plus strand (C>T on the coding strand, the complement: CLDN19 is on the minus strand). VCF-style: chr1-42738221-G-A. GRCh37 (hg19) VCF-style: chr1-43203892-G-A.
Other names: c.388+200C>T (NM_001185117.2); c.473+8C>T (NM_001123395.2).
Identifiers: ClinVar variation 3257703 (VCV003257703.17).

ClinVar aggregate classification (germline): Uncertain significance (1 of 4 stars; one submission).

gnomAD v4.1: 28 of 1,610,246 alleles (0.0017%); highest among the groups gnomAD compares: Non-Finnish European, 0.0023%; no homozygotes.

Submission:

CeGaT Center for Human Genetics Tuebingen
Classification: Uncertain significance. Last evaluated: 2024-07-01. Review status: criteria provided, single submitter. Criteria: CeGaT Center For Human Genetics Tuebingen Variant Classification Criteria Version 2. Collection method: clinical testing. Allele origin: germline. Affected: yes. Observed: 1 variant allele.
Comment: CLDN19: PM2, BP4